The following is an entry in ClinVar:

NM_000048.4(ASL):c.656-14T>A

Gene: ASL (argininosuccinate lyase; plus strand). Cytogenetic location: 7q11.21.
Variant type: single nucleotide variant.
Coding change: c.656-14T>A on transcript NM_000048.4 (MANE Select); 14 bases into the intron before coding-DNA position 656, T replaced by A.
Molecular consequence: intron variant.
Genome position (GRCh38, 1-based): chr7:66,087,715, T>A. VCF-style: chr7-66087715-T-A. GRCh37 (hg19) VCF-style: chr7-65552702-T-A.
Other names: c.656-14T>A (NM_001024943.2, NM_001024944.2); c.578-14T>A (NM_001024946.2).
Identifiers: ClinVar variation 386050 (VCV000386050.4), dbSNP rs756638742, ClinGen allele CA4277083.
Genomic context (GRCh38, chr7:66,087,715, plus strand): 5'-TGGGCAACCTAGTTGGGGGAGAGGGGGCCACTCCCTGTCCTCCAGCTTAGCCCTGCTTCC[T>A]CCCACCCCCCCAGAACTCAACTTTGGGGCCATCACTCTCAACAGCATGGATGCCACTAGT-3'

ClinVar aggregate classification (germline): Likely benign. Review status: criteria provided, multiple submitters, no conflicts (2 of 4 stars). 2 submissions from 2 submitters: Likely benign (2). Last evaluated 2026-01-28.

Conditions:
Argininosuccinate lyase deficiency. Also called: ARGININOSUCCINIC ACID LYASE DEFICIENCY; ASL DEFICIENCY; Argininosuccinic aciduria. Identifiers: Orphanet 23, MedGen C0268547, MONDO:0008815, OMIM 207900, HP:0025630.

Allele frequency attached by ClinVar (database versions not stated): TOPMed 0.00004; gnomAD exomes 0.00006; ExAC 0.00007; gnomAD 0.00007 and 0.00008.
gnomAD v4.1: 101 of 1,613,838 alleles (0.0063%); highest among the groups gnomAD compares: Admixed American, 0.0083%; no homozygotes.

Submissions (2):

Labcorp Genetics (formerly Invitae), Labcorp
Classification: Likely benign for Argininosuccinate lyase deficiency. Last evaluated: 2026-01-28. Review status: criteria provided, single submitter. Criteria: Invitae Variant Classification Sherloc (09022015). Collection method: clinical testing. Allele origin: germline.

GeneDx
Classification: Likely benign. Last evaluated: 2017-03-31. Review status: criteria provided, single submitter. Criteria: GeneDx Variant Classification (06012015). Collection method: clinical testing. Allele origin: germline. Affected: yes.
Comment: This variant is considered likely benign or benign based on one or more of the following criteria: it is a conservative change, it occurs at a poorly conserved position in the protein, it is predicted to be benign by multiple in silico algorithms, and/or has population frequency not consistent with disease.